The following is an entry in ClinVar:

NM_020791.4(TAOK1):c.1708C>G (p.Leu570Val)

Gene: TAOK1 (TAO kinase 1; plus strand). Cytogenetic location: 17q11.2.
Variant type: single nucleotide variant.
Coding change: c.1708C>G on transcript NM_020791.4 (MANE Select); coding-DNA position 1708, C replaced by G.
Protein change: p.Leu570Val; replaces leucine 570 with valine.
Molecular consequence: missense variant. On other transcripts: intron variant (1).
Genome position (GRCh38, 1-based): chr17:29,517,456, C>G. VCF-style: chr17-29517456-C-G. GRCh37 (hg19) VCF-style: chr17-27844474-C-G.
Other names: c.1704+6464C>G (NM_025142.1); c.1708C>G (NM_020791.2); short protein forms L570V.
Identifiers: ClinVar variation 3341898 (VCV003341898.17).

ClinVar aggregate classification (germline): Conflicting classifications of pathogenicity. Review status: criteria provided, conflicting classifications (1 of 4 stars). 2 submissions from 2 submitters: Uncertain significance (1); Likely benign (1). Last evaluated 2025-08-25.

Conditions:
Inborn genetic diseases. Identifiers: MedGen C0950123, MeSH D030342.

gnomAD v4.1: 39 of 1,613,088 alleles (0.0024%); highest among the groups gnomAD compares: Non-Finnish European, 0.0029%; no homozygotes.

Submissions (2):

Ambry Genetics
Classification: Uncertain significance for Inborn genetic diseases. Last evaluated: 2025-08-25. Review status: criteria provided, single submitter. Criteria: Ambry Variant Classification Scheme 2023. Collection method: clinical testing. Allele origin: germline.

CeGaT Center for Human Genetics Tuebingen
Classification: Likely benign. Last evaluated: 2024-08-01. Review status: criteria provided, single submitter. Criteria: CeGaT Center For Human Genetics Tuebingen Variant Classification Criteria Version 2. Collection method: clinical testing. Allele origin: germline. Affected: yes. Observed: 1 variant allele.
Comment: TAOK1: BS1